The following is an entry in ClinVar:

ClinVar aggregate classification (germline): Uncertain significance. Review status: criteria provided, multiple submitters, no conflicts (2 of 4 stars). 2 submissions from 2 submitters: Uncertain significance (2). Last evaluated 2024-11-27.

Conditions:
Autoinflammation-PLCG2-associated antibody deficiency-immune dysregulation. Also called: Autoinflammation, antibody deficiency, and immune dysregulation syndrome; Autoinflammation, antibody deficiency, and immune dysregulation, plcg2-associated; AUTOINFLAMMATION, ANTIBODY DEFICIENCY, AND IMMUNE DYSREGULATION. Identifiers: Orphanet 324530, MedGen C3553961, MONDO:0013944, OMIM 614878.
Familial cold autoinflammatory syndrome 3 (FCAS3). Also called: ANTIBODY DEFICIENCY AND IMMUNE DYSREGULATION, PLCG2-ASSOCIATED; FAMILIAL ATYPICAL COLD URTICARIA. Identifiers: Orphanet 300359, MedGen C3280914, MONDO:0013766, OMIM 614468.

Allele frequency attached by ClinVar (database versions not stated): gnomAD exomes 0.00001 and 0.00004; ExAC 0.00007; ESP Exome Variant Server 0.00008; gnomAD 0.00019 and 0.00021; TOPMed 0.00021.
gnomAD v4.1: 45 of 1,613,656 alleles (0.0028%); highest among the groups gnomAD compares: African/African-American, 0.057%; no homozygotes.

Submissions (2):

Labcorp Genetics (formerly Invitae), Labcorp
Classification: Uncertain significance for Familial cold autoinflammatory syndrome 3. Last evaluated: 2024-11-27. Review status: criteria provided, single submitter. Criteria: Invitae Variant Classification Sherloc (09022015). Collection method: clinical testing. Allele origin: germline.
Comment: This sequence change replaces alanine, which is neutral and non-polar, with threonine, which is neutral and polar, at codon 136 of the PLCG2 protein (p.Ala136Thr). This variant is present in population databases (rs367885048, gnomAD 0.04%). This variant has not been reported in the literature in individuals affected with PLCG2-related conditions. ClinVar contains an entry for this variant (Variation ID: 1007262). An algorithm developed to predict the effect of missense changes on protein structure and function (PolyPhen-2) suggests that this variant is likely to be disruptive. In summary, the available evidence is currently insufficient to determine the role of this variant in disease. Therefore, it has been classified as a Variant of Uncertain Significance.

Fulgent Genetics
Classification: Uncertain significance for Familial cold autoinflammatory syndrome 3; Autoinflammation-PLCG2-associated antibody deficiency-immune dysregulation. Last evaluated: 2022-02-18. Review status: criteria provided, single submitter. Criteria: ACMG Guidelines, 2015. Collection method: clinical testing. Allele origin: unknown.

NM_002661.5(PLCG2):c.406G>A (p.Ala136Thr)

Gene: PLCG2 (phospholipase C gamma 2; plus strand). Cytogenetic location: 16q23.3.
Variant type: single nucleotide variant.
Coding change: c.406G>A on transcript NM_002661.5 (MANE Select); coding-DNA position 406, G replaced by A.
Protein change: p.Ala136Thr; replaces alanine 136 with threonine.
Molecular consequence: missense variant.
Genome position (GRCh38, 1-based): chr16:81,858,331, G>A. VCF-style: chr16-81858331-G-A. GRCh37 (hg19) VCF-style: chr16-81891936-G-A.
Other names: short protein forms A136T.
Identifiers: ClinVar variation 1007262 (VCV001007262.8), dbSNP rs367885048, ClinGen allele CA8193169.